The following is an entry in ClinVar:

ClinVar aggregate classification (germline): Conflicting classifications of pathogenicity. Review status: criteria provided, conflicting classifications (1 of 4 stars). 3 submissions from 3 submitters: Uncertain significance (2); Likely benign (1). Last evaluated 2026-03-29.

Conditions:
3-Methylglutaconic aciduria type 2 (BTHS). Also called: CARDIOSKELETAL MYOPATHY WITH NEUTROPENIA AND ABNORMAL MITOCHONDRIA; Barth syndrome. Identifiers: Orphanet 111, MedGen C0574083, MONDO:0010543, OMIM 302060.

Allele frequency attached by ClinVar (database versions not stated): gnomAD 0.00001.
gnomAD v4.1: 9 of 1,208,834 alleles (0.00074%); highest among the groups gnomAD compares: Non-Finnish European, 0.001%; no homozygotes.

Submissions (3):

Clinical Genomics Laboratory, Washington University in St. Louis
Classification: Uncertain significance for 3-Methylglutaconic aciduria type 2. Last evaluated: 2026-03-29. Review status: criteria provided, single submitter. Criteria: ACMG Guidelines, 2015. Collection method: clinical testing. Allele origin: germline.
Comment: A TAZ c.110-6C>G variant was identified in a heterozygous state. The TAZ c.110-6C>G variant, to our knowledge, has not been reported in the medical literature but has been reported in the ClinVar database as a germline variant of uncertain significance by one sumitter and a likely benign variant by one submitter (ClinVar ID: 1307995). This variant is only observed in 1/177,057 alleles in the general population (gnomAD v2.1.1), indicating it is not a common variant. Computational predictors indicate that this variant would alter splicing, evidence that correlates to an impact of this variant TAZ function. Due to limited information, and based on ACMG/AMP guidelines for variant interpretation (Richards S et al., PMID: 25741868), the clinical significance of this variant is uncertain at this time.

Labcorp Genetics (formerly Invitae), Labcorp
Classification: Likely benign for 3-Methylglutaconic aciduria type 2. Last evaluated: 2025-04-23. Review status: criteria provided, single submitter. Criteria: Invitae Variant Classification Sherloc (09022015). Collection method: clinical testing. Allele origin: germline.

GeneDx
Classification: Uncertain significance. Last evaluated: 2019-08-16. Review status: criteria provided, single submitter. Criteria: GeneDx Variant Classification Process June 2021. Collection method: clinical testing. Allele origin: germline. Affected: yes.
Comment: Has not been previously published as pathogenic or benign to our knowledge; In silico analysis, which includes splice predictors and evolutionary conservation, suggests this variant may impact gene splicing; in the absence of RNA/functional studies, the actual effect of this sequence change is unknown

NM_000116.5(TAFAZZIN):c.110-6C>G

Genes: DNASE1L1 (deoxyribonuclease 1 like 1; minus strand), TAFAZZIN (tafazzin, phospholipid-lysophospholipid transacylase; plus strand). Cytogenetic location: Xq28.
Variant type: single nucleotide variant.
Coding change: c.110-6C>G on transcript NM_000116.5 (MANE Select); 6 bases into the intron before coding-DNA position 110, C replaced by G.
Molecular consequence: intron variant. On other transcripts: 5 prime UTR variant (3).
Genome position (GRCh38, 1-based): chrX:154,412,080, C>G. VCF-style: chrX-154412080-C-G. GRCh37 (hg19) VCF-style: chrX-153640417-C-G.
Other names: c.-620G>C (NM_001009932.3); c.-362G>C (NM_001009933.3); c.-277G>C (NM_001009934.3); c.164-6C>G (NM_001440856.1, NM_001303465.2, NM_001410698.1 and 1 more transcripts); c.110-6C>G (NM_181312.4, NM_181311.4, NM_181313.4 and 1 more transcripts).
Identifiers: ClinVar variation 1307995 (VCV001307995.9), dbSNP rs782099193, ClinGen allele CA10562278.